The following is an entry in ClinVar:

ClinVar aggregate classification (germline): Benign/Likely benign. Review status: criteria provided, multiple submitters, no conflicts (2 of 4 stars). 3 submissions from 3 submitters: Benign (1); Likely benign (1). 1 of the submissions does not count toward it. Last evaluated 2025-12-19.

Conditions:
EYS-related disorder. Also called: EYS-related condition.

Submissions (3):

Labcorp Genetics (formerly Invitae), Labcorp
Classification: Benign. Last evaluated: 2025-12-19. Review status: criteria provided, single submitter. Criteria: Invitae Variant Classification Sherloc (09022015). Collection method: clinical testing. Allele origin: germline.

Blueprint Genetics
Classification: Likely benign. Last evaluated: 2022-05-14. Review status: criteria provided, single submitter. Criteria: ACMG Guidelines, 2015. Collection method: clinical testing. Allele origin: germline.

PreventionGenetics, part of Exact Sciences
Classification: Likely benign for EYS-related condition. Last evaluated: 2019-08-13. Review status: no assertion criteria provided. Collection method: clinical testing. Allele origin: germline. Not counted in ClinVar's aggregate classification.
Comment: This variant is classified as likely benign based on ACMG/AMP sequence variant interpretation guidelines (Richards et al. 2015 PMID: 25741868, with internal and published modifications).

NM_001142800.2(EYS):c.1460-5del

Gene: EYS (EGF-like photoreceptor maintenance factor; minus strand). Cytogenetic location: 6q12.
Variant type: Deletion.
Coding change: c.1460-5del on transcript NM_001142800.2 (MANE Select); 5 bases into the intron before coding-DNA position 1460, one base deleted (T; older notation c.1460-5delT).
Molecular consequence: intron variant.
Genome position (GRCh38, 1-based): chr6:65,344,182, A deleted on the plus strand (T on the coding strand, the reverse complement: EYS is on the minus strand); the first of 9 consecutive A bases (chr6:65,344,182-65,344,190); deleting any one gives the same sequence. VCF-style (leftmost placement, unchanged base first): chr6-65344181-TA-T. GRCh37 (hg19) VCF-style: chr6-66054074-TA-T.
Other names: c.1460-5delT (NM_001142800.1); c.1460-5del (NM_001292009.2, NM_001142801.2, NM_198283.2).
Identifiers: ClinVar variation 1170249 (VCV001170249.12), dbSNP rs771064426, ClinGen allele CA3877729.